The following is an entry in ClinVar:

NM_015046.7(SETX):c.589T>A (p.Phe197Ile)

Gene: SETX (senataxin; minus strand). Cytogenetic location: 9q34.13.
Variant type: single nucleotide variant.
Coding change: c.589T>A on transcript NM_015046.7 (MANE Select); coding-DNA position 589, T replaced by A.
Protein change: p.Phe197Ile; replaces phenylalanine 197 with isoleucine.
Molecular consequence: missense variant.
Genome position (GRCh38, 1-based): chr9:132,336,425, A>T on the plus strand (T>A on the coding strand, the complement: SETX is on the minus strand). VCF-style: chr9-132336425-A-T. GRCh37 (hg19) VCF-style: chr9-135211812-A-T.
Other names: c.589T>A, p.Phe197Ile (NM_001351527.2, NM_001351528.2); short protein forms F197I.
Identifiers: ClinVar variation 1448771 (VCV001448771.6), dbSNP rs1847622210, ClinGen allele CA375349637.
Genomic context (GRCh38, chr9:132,336,425, plus strand): 5'-CTAGGACAGAAGAAGTATAAATGTCTGGACTCTCTAAAAGCCCCAACTCAATGACTTTAA[A>T]AAGGCAAAGTAAAACTTCTTGTAAGTCATAATAATCATCTCTGTCCACTTTCCCCAAGTT-3'
Protein context (NP_055861.3, residues 187-207): YDLQEVLLCL[Phe197Ile]KVIELGLLES

ClinVar aggregate classification (germline): Uncertain significance (1 of 4 stars; one submission).

Conditions:
Amyotrophic lateral sclerosis type 4 (ALS4). Also called: AMYOTROPHIC LATERAL SCLEROSIS 4, JUVENILE; NEURONOPATHY, DISTAL HEREDITARY MOTOR, WITH PYRAMIDAL FEATURES. Identifiers: Orphanet 357043, MedGen C1865409, MONDO:0011223, OMIM 602433.
Spinocerebellar ataxia, autosomal recessive, with axonal neuropathy 2 (SCAN2). Also called: Ataxia-ocular apraxia-2; Ataxia with Oculomotor Apraxia Type 2; ATAXIA-OCULOMOTOR APRAXIA 2; Ataxia with Oculomotor Apraxia. Identifiers: Orphanet 64753, MedGen C1853761, MONDO:0018996, OMIM 606002.

Allele frequency attached by ClinVar (database versions not stated): gnomAD exomes below 0.00001; TOPMed below 0.00001.

Submission:

Labcorp Genetics (formerly Invitae), Labcorp
Classification: Uncertain significance for Amyotrophic lateral sclerosis type 4; Spinocerebellar ataxia, autosomal recessive, with axonal neuropathy 2. Last evaluated: 2021-10-21. Review status: criteria provided, single submitter. Criteria: Invitae Variant Classification Sherloc (09022015). Collection method: clinical testing. Allele origin: germline.
Comment: In summary, the available evidence is currently insufficient to determine the role of this variant in disease. Therefore, it has been classified as a Variant of Uncertain Significance. This variant is not present in population databases (ExAC no frequency). This sequence change replaces phenylalanine with isoleucine at codon 197 of the SETX protein (p.Phe197Ile). The phenylalanine residue is moderately conserved and there is a small physicochemical difference between phenylalanine and isoleucine. Advanced modeling of protein sequence and biophysical properties (such as structural, functional, and spatial information, amino acid conservation, physicochemical variation, residue mobility, and thermodynamic stability) performed at Invitae indicates that this missense variant is expected to disrupt SETX protein function. This variant has not been reported in the literature in individuals affected with SETX-related conditions.